The following is an entry in ClinVar:

ClinVar aggregate classification (germline): Benign/Likely benign. Review status: criteria provided, multiple submitters, no conflicts (2 of 4 stars). 3 submissions from 3 submitters: Benign (1); Likely benign (2). Last evaluated 2021-06-04.

Conditions:
Bartter disease type 1. Also called: HYPERPROSTAGLANDIN E SYNDROME 1; HYPOKALEMIC ALKALOSIS WITH HYPERCALCIURIA 1, ANTENATAL; Bartter syndrome, type 1, antenatal; Bartter Syndrome type 1. Identifiers: Orphanet 112, Orphanet 620217, MedGen C1866495, MONDO:0100344, OMIM 601678, MONDO:0011127.

Allele frequency attached by ClinVar (database versions not stated): gnomAD 0.01355 and 0.01443; TOPMed 0.01518; 1000 Genomes Project 0.01717; 1000 Genomes Project 30x 0.01858.
gnomAD v4.1: 2,675 of 533,340 alleles (0.5%); highest among the groups gnomAD compares: African/African-American, 4.7%; 55 homozygotes.

Submissions (3):

GeneDx
Classification: Likely benign. Last evaluated: 2021-06-04. Review status: criteria provided, single submitter. Criteria: GeneDx Variant Classification Process June 2021. Collection method: clinical testing. Allele origin: germline. Affected: yes.

Illumina Laboratory Services, Illumina
Classification: Benign for Bartter disease type 1. Last evaluated: 2018-01-13. Review status: criteria provided, single submitter. Criteria: ICSL Variant Classification Criteria 13 December 2019. Collection method: clinical testing. Allele origin: germline.
Comment: This variant was observed in the ICSL laboratory as part of a predisposition screen in an ostensibly healthy population. It had not been previously curated by ICSL or reported in the Human Gene Mutation Database (HGMD: prior to June 1st, 2018), and was therefore a candidate for classification through an automated scoring system. Utilizing variant allele frequency, disease prevalence and penetrance estimates, and inheritance mode, an automated score was calculated to assess if this variant is too frequent to cause the disease. Based on the score and internal cut-off values, a variant classified as benign is not then subjected to further curation. The score for this variant resulted in a classification of benign for this disease.

Breakthrough Genomics
Classification: Likely benign. Review status: criteria provided, single submitter. Criteria: ACMG Guidelines, 2015. Collection method: not provided. Allele origin: germline. Inheritance: Autosomal recessive inheritance. Affected: yes.

NM_000338.3(SLC12A1):c.*158C>T

Gene: SLC12A1 (solute carrier family 12 member 1; plus strand). Cytogenetic location: 15q21.1.
Variant type: single nucleotide variant.
Coding change: c.*158C>T on transcript NM_000338.3 (MANE Select); 158 bases downstream of the stop codon, C replaced by T.
Molecular consequence: 3 prime UTR variant.
Genome position (GRCh38, 1-based): chr15:48,303,043, C>T. VCF-style: chr15-48303043-C-T. GRCh37 (hg19) VCF-style: chr15-48595240-C-T.
Other names: c.*158C>T (NM_001184832.2).
Identifiers: ClinVar variation 316289 (VCV000316289.7), dbSNP rs7163846, ClinGen allele CA10636106.